The following is an entry in ClinVar:

ClinVar aggregate classification (germline): Uncertain significance (1 of 4 stars; one submission).

gnomAD v4.1: 2 of 1,613,058 alleles (0.00012%); highest among the groups gnomAD compares: Non-Finnish European, 0.00017%; no homozygotes.

Submission:

GeneDx
Classification: Uncertain significance. Last evaluated: 2017-09-28. Review status: criteria provided, single submitter. Criteria: GeneDx Variant Classification (06012015). Collection method: clinical testing. Allele origin: germline. Affected: yes.
Comment: The T1059S variant has not been published as a pathogenic variant, nor has it been reported as a benign variant to our knowledge. This variant is not observed in large population cohorts (Lek et al., 2016). The T1059S variant is a conservative amino acid substitution, which is not likely to impact secondary protein structure as these residues share similar properties. This substitution does not occur within known functional domains of the tuberin protein, where many pathogenic missense variants have been identified (Northrup et al., 2011; Au et al., 2007). However, the T1059S substitution occurs at a position that is conserved across species, and in silico analysis predicts this variant is probably damaging to the protein structure/function.

NM_000548.5(TSC2):c.3176C>G (p.Thr1059Ser)

Gene: TSC2 (TSC complex subunit 2; plus strand). Cytogenetic location: 16p13.3.
Variant type: single nucleotide variant.
Coding change: c.3176C>G on transcript NM_000548.5 (MANE Select); coding-DNA position 3176, C replaced by G.
Protein change: p.Thr1059Ser; replaces threonine 1059 with serine.
Molecular consequence: missense variant.
Genome position (GRCh38, 1-based): chr16:2,079,320, C>G. VCF-style: chr16-2079320-C-G. GRCh37 (hg19) VCF-style: chr16-2129321-C-G.
Other names: c.3044C>G, p.Thr1015Ser (NM_001077183.3, NM_001370404.1); c.3176C>G, p.Thr1059Ser (NM_001114382.3); c.2936C>G, p.Thr979Ser (NM_001318827.2); c.2900C>G, p.Thr967Ser (NM_001318829.2); c.2444C>G, p.Thr815Ser (NM_001318831.2); c.3077C>G, p.Thr1026Ser (NM_001318832.2); c.3047C>G, p.Thr1016Ser (NM_001363528.2, NM_001370405.1, NM_021055.3); short protein forms T1059S, T1016S, T815S, T1015S, T979S, T1026S, T967S.
Identifiers: ClinVar variation 452351 (VCV000452351.2), dbSNP rs753205147, ClinGen allele CA394285499.